The following is an entry in ClinVar:

NM_012470.4(TNPO3):c.496C>T (p.Arg166Cys)

Gene: TNPO3 (transportin 3; minus strand). Cytogenetic location: 7q32.1.
Variant type: single nucleotide variant.
Coding change: c.496C>T on transcript NM_012470.4 (MANE Select); coding-DNA position 496, C replaced by T.
Protein change: p.Arg166Cys; replaces arginine 166 with cysteine.
Molecular consequence: missense variant. On other transcripts: non-coding transcript variant (18).
Genome position (GRCh38, 1-based): chr7:129,015,035, G>A on the plus strand (C>T on the coding strand, the complement: TNPO3 is on the minus strand). VCF-style: chr7-129015035-G-A. GRCh37 (hg19) VCF-style: chr7-128655089-G-A.
Other names: c.496C>T, p.Arg166Cys (NM_001191028.3, NM_001382216.1, NM_001382218.1 and 5 more transcripts); c.577C>T, p.Arg193Cys (NM_001382217.1); short protein forms R193C, R166C.
Identifiers: ClinVar variation 1434766 (VCV001434766.6), dbSNP rs1423454696, ClinGen allele CA369246378.
Genomic context (GRCh38, chr7:129,015,035, plus strand): 5'-TCACCAATAGAGATACTACTGTACTAGAGTAGAAGGCCAAATCTTCTATAATTTCTGTGC[G>A]CCGATTAGCTCCAATTCGTAAGGAACGACTATGTACTTCTTCAGGTAACACTGTAAGGAT-3'
Protein context (NP_036602.1, residues 156-176): SRSLRIGANR[Arg166Cys]TEIIEDLAFY

ClinVar aggregate classification (germline): Uncertain significance (1 of 4 stars; one submission).

Conditions:
Autosomal dominant limb-girdle muscular dystrophy type 1F (LGMDD2). Also called: MUSCULAR DYSTROPHY, LIMB-GIRDLE, AUTOSOMAL DOMINANT 2; Limb-girdle muscular dystrophy, type 1F. Identifiers: Orphanet 55595, MedGen C1842062, MONDO:0012034, OMIM 608423.

Allele frequency attached by ClinVar (database versions not stated): gnomAD exomes below 0.00001.

Submission:

Labcorp Genetics (formerly Invitae), Labcorp
Classification: Uncertain significance for Autosomal dominant limb-girdle muscular dystrophy type 1F. Last evaluated: 2022-11-04. Review status: criteria provided, single submitter. Criteria: Invitae Variant Classification Sherloc (09022015). Collection method: clinical testing. Allele origin: germline.
Comment: This sequence change replaces arginine, which is basic and polar, with cysteine, which is neutral and slightly polar, at codon 166 of the TNPO3 protein (p.Arg166Cys). This variant is present in population databases (no rsID available, gnomAD 0.006%). In summary, the available evidence is currently insufficient to determine the role of this variant in disease. Therefore, it has been classified as a Variant of Uncertain Significance. Advanced modeling of protein sequence and biophysical properties (such as structural, functional, and spatial information, amino acid conservation, physicochemical variation, residue mobility, and thermodynamic stability) performed at Invitae indicates that this missense variant is expected to disrupt TNPO3 protein function. ClinVar contains an entry for this variant (Variation ID: 1434766). This variant has not been reported in the literature in individuals affected with TNPO3-related conditions.